The following is an entry in ClinVar:

ClinVar aggregate classification (germline): Uncertain significance. Review status: criteria provided, multiple submitters, no conflicts (2 of 4 stars). 2 submissions from 2 submitters: Uncertain significance (2). Last evaluated 2023-03-27.

Allele frequency attached by ClinVar (database versions not stated): TOPMed 0.00001.
gnomAD v4.1: 12 of 1,502,900 alleles (0.0008%); highest among the groups gnomAD compares: Non-Finnish European, 0.00097%; no homozygotes.

Submissions (2):

Blueprint Genetics
Classification: Uncertain significance. Last evaluated: 2023-03-27. Review status: criteria provided, single submitter. Criteria: ACMG Guidelines, 2015. Collection method: clinical testing. Allele origin: germline.

Labcorp Genetics (formerly Invitae), Labcorp
Classification: Uncertain significance. Last evaluated: 2022-02-08. Review status: criteria provided, single submitter. Criteria: Invitae Variant Classification Sherloc (09022015). Collection method: clinical testing. Allele origin: germline.
Comment: In summary, the available evidence is currently insufficient to determine the role of this variant in disease. Therefore, it has been classified as a Variant of Uncertain Significance. Algorithms developed to predict the effect of missense changes on protein structure and function (SIFT, PolyPhen-2, Align-GVGD) all suggest that this variant is likely to be tolerated. This variant has not been reported in the literature in individuals affected with TBX6-related conditions. This variant is not present in population databases (gnomAD no frequency). This sequence change replaces arginine, which is basic and polar, with glycine, which is neutral and non-polar, at codon 366 of the TBX6 protein (p.Arg366Gly).

NM_004608.4(TBX6):c.1096A>G (p.Arg366Gly)

Gene: TBX6 (T-box transcription factor 6; minus strand). Cytogenetic location: 16p11.2.
Variant type: single nucleotide variant.
Coding change: c.1096A>G on transcript NM_004608.4 (MANE Select); coding-DNA position 1096, A replaced by G.
Protein change: p.Arg366Gly; replaces arginine 366 with glycine.
Molecular consequence: missense variant.
Genome position (GRCh38, 1-based): chr16:30,086,513, T>C on the plus strand (A>G on the coding strand, the complement: TBX6 is on the minus strand). VCF-style: chr16-30086513-T-C. GRCh37 (hg19) VCF-style: chr16-30097834-T-C.
Other names: short protein forms R366G.
Identifiers: ClinVar variation 1925877 (VCV001925877.6), dbSNP rs2072632545, ClinGen allele CA395513214.